The following is an entry in ClinVar:

ClinVar aggregate classification (germline): Uncertain significance (1 of 4 stars; one submission).

Conditions:
Hereditary cancer-predisposing syndrome. Also called: Neoplastic Syndromes, Hereditary; Hereditary Cancer Syndrome; Hereditary neoplastic syndrome; Tumor predisposition. Identifiers: Orphanet 140162, MedGen C0027672, MeSH D009386, MONDO:0015356.

Submission:

Ambry Genetics
Classification: Uncertain significance for Hereditary cancer-predisposing syndrome. Last evaluated: 2023-04-16. Review status: criteria provided, single submitter. Criteria: Ambry Variant Classification Scheme 2023. Collection method: clinical testing. Allele origin: germline.
Comment: The p.I984R variant (also known as c.2951T>G), located in coding exon 19 of the RAD50 gene, results from a T to G substitution at nucleotide position 2951. The isoleucine at codon 984 is replaced by arginine, an amino acid with similar properties. This amino acid position is conserved. In addition, this alteration is predicted to be tolerated by in silico analysis. Since supporting evidence is limited at this time, the clinical significance of this alteration remains unclear.

NM_005732.4(RAD50):c.2951T>G (p.Ile984Arg)

Gene: RAD50 (RAD50 double strand break repair protein; plus strand). Cytogenetic location: 5q31.1.
Variant type: single nucleotide variant.
Coding change: c.2951T>G on transcript NM_005732.4 (MANE Select); coding-DNA position 2951, T replaced by G.
Protein change: p.Ile984Arg; replaces isoleucine 984 with arginine.
Molecular consequence: missense variant.
Genome position (GRCh38, 1-based): chr5:132,609,311, T>G. VCF-style: chr5-132609311-T-G. GRCh37 (hg19) VCF-style: chr5-131945003-T-G.
Other names: short protein forms I984R.
Identifiers: ClinVar variation 2565936 (VCV002565936.2), dbSNP rs2149849852, ClinGen allele CA360960398.
Genomic context (GRCh38, chr5:132,609,311, plus strand): 5'-TTCATGTGCTTAAAGAATTTTCTTTTTTGTAGCAAAAAGAAACTGAACTTAATAAAGTAA[T>G]AGCTCAACTAAGTGAATGCGAGAAACACAAAGAAAAGATAAATGAAGATATGAGACTCAT-3'
Protein context (NP_005723.2, residues 974-994): KQKETELNKV[Ile984Arg]AQLSECEKHK